The following is an entry in ClinVar:

NM_001256715.2(DNAAF3):c.607_611dup (p.Arg205fs)

Genes: DNAAF3 (dynein axonemal assembly factor 3; minus strand), DNAAF3-AS1 (DNAAF3 antisense RNA 1; plus strand). Cytogenetic location: 19q13.42.
Variant type: Duplication.
Coding change: c.607_611dup on transcript NM_001256715.2 (MANE Select); coding-DNA positions 607 to 611, 5 bases duplicated (GACGC; older notation c.607_611dupGACGC).
Protein change: p.Arg205fs; shifts the reading frame from arginine 205.
Molecular consequence: frameshift variant.
Genome position (GRCh38, 1-based): chr19:55,161,695-55,161,699, GCGTC duplicated on the plus strand (GACGC on the coding strand, the reverse complement: DNAAF3 is on the minus strand); duplicating any 5 consecutive bases within chr19:55,161,695-55,161,700 gives the same sequence; the c. name uses the placement nearest the transcript's 3' end. VCF-style (leftmost placement, unchanged base first): chr19-55161694-G-GGCGTC. GRCh37 (hg19) VCF-style: chr19-55673062-G-GGCGTC.
Other names: c.811_815dupGACGC (NM_001256714.1); c.811_815dup, p.Arg273fs (NM_001256714.1); c.445_449dup, p.Arg151fs (NM_001256716.2); c.748_752dup, p.Arg252fs (NM_178837.4); short protein forms R252fs, R273fs, R151fs, R205fs.
Identifiers: ClinVar variation 410288 (VCV000410288.12), dbSNP rs1060502831, ClinGen allele CA16616432.
Genomic context (GRCh38, chr19:55,161,694, plus strand): 5'-GCCCCTCACCCCGCGGTCATGCAGCTTCATGCGCAGGTCCCAGTCGCTGACACCGCGCCG[G>GGCGTC]GCGTCGTAGCGGGAGCCCAGGTAGTGGCGCAGGCGCGAGTCCCAGAGGCGGCTCATGGGG-3'

ClinVar aggregate classification (germline): Pathogenic/Likely pathogenic. Review status: criteria provided, multiple submitters, no conflicts (2 of 4 stars). 3 submissions from 3 submitters: Pathogenic (2); Likely pathogenic (1). Last evaluated 2023-09-29.

Conditions:
Primary ciliary dyskinesia. Also called: Ciliary dyskinesia. Identifiers: Orphanet 244, MedGen C0008780, MONDO:0016575, HP:0012265.
Primary ciliary dyskinesia 2. Also called: CILIARY DYSKINESIA, PRIMARY, 2, WITH OR WITHOUT SITUS INVERSUS. Identifiers: Orphanet 244, MedGen C1847554, MONDO:0011718, OMIM 606763.

Submissions (3):

Department of Pathology and Laboratory Medicine, Sinai Health System
Classification: Likely pathogenic for Primary ciliary dyskinesia 2. Last evaluated: 2023-09-29. Review status: criteria provided, single submitter. Criteria: ACMG Guidelines, 2015. Collection method: research. Allele origin: germline.

Labcorp Genetics (formerly Invitae), Labcorp
Classification: Pathogenic for Primary ciliary dyskinesia. Last evaluated: 2019-01-21. Review status: criteria provided, single submitter. Criteria: Invitae Variant Classification Sherloc (09022015). Collection method: clinical testing. Allele origin: germline.
Comment: For these reasons, this variant has been classified as Pathogenic. While this particular variant has not been reported in the literature, loss-of-function variants in DNAAF3 are known to be pathogenic (PMID: 22387996). This sequence change inserts 5 nucleotides in exon 6 of the DNAAF3 mRNA (c.811_815dupGACGC), causing a frameshift at codon 273. This creates a premature translational stop signal (p.Arg273Thrfs*13) and is expected to result in an absent or disrupted protein product.

Juno Genomics, Hangzhou Juno Genomics, Inc
Classification: Pathogenic for Primary ciliary dyskinesia 2. Review status: criteria provided, single submitter. Criteria: ACMG Guidelines, 2015. Collection method: clinical testing. Allele origin: germline.
Comment: Null variant in a gene where loss of function (LOF) is a known mechanism of disease.;Absent from controls (or at extremely low frequency if recessive) in Genome Aggregation Database.;For recessive disorders, detected in trans with a pathogenic variant.;Patient's phenotype or family history is highly specific for a disease with a single genetic etiology.

Literature cited by the submitters: PubMed 22387996 (cited by Labcorp Genetics (formerly Invitae), Labcorp).